The following is an entry in ClinVar:

ClinVar aggregate classification (germline): Pathogenic (1 of 4 stars; one submission).

Conditions:
Ornithine carbamoyltransferase deficiency (OTCD). Also called: OTC DEFICIENCY; ORNITHINE TRANSCARBAMYLASE DEFICIENCY; ORNITHINE TRANSCARBAMYLASE DEFICIENCY, HYPERAMMONEMIA DUE TO; Ornithine Carbamoyltransferase Deficiency Disease. Identifiers: Orphanet 664, MedGen C0268542, MONDO:0010703, OMIM 311250.

Submission:

Labcorp Genetics (formerly Invitae), Labcorp
Classification: Pathogenic for Ornithine carbamoyltransferase deficiency. Last evaluated: 2021-10-06. Review status: criteria provided, single submitter. Criteria: Invitae Variant Classification Sherloc (09022015). Collection method: clinical testing. Allele origin: germline.
Comment: This variant has not been reported in the literature in individuals affected with OTC-related conditions. For these reasons, this variant has been classified as Pathogenic. Algorithms developed to predict the effect of sequence changes on RNA splicing suggest that this variant may disrupt the consensus splice site. This variant is not present in population databases (ExAC no frequency). This sequence change creates a premature translational stop signal (p.Ala218Glyfs*3) in the OTC gene. It is expected to result in an absent or disrupted protein product. Loss-of-function variants in OTC are known to be pathogenic (PMID: 10946359, 16786505).

Literature cited by the submitters: PubMed 10946359; PubMed 16786505.

NM_000531.6(OTC):c.653_663del (p.Ala218fs)

Gene: OTC (ornithine transcarbamylase; plus strand). Cytogenetic location: Xp11.4.
Variant type: Deletion.
Coding change: c.653_663del on transcript NM_000531.6 (MANE Select); coding-DNA positions 653 to 663, 11 bases deleted (CTACTCCAAAG).
Protein change: p.Ala218fs; shifts the reading frame from alanine 218.
Molecular consequence: frameshift variant.
Genome position (GRCh38, 1-based): chrX:38,403,730-38,403,740, CTACTCCAAAG deleted; deleting any 11 consecutive bases within chrX:38,403,728-38,403,740 gives the same sequence; the c. name uses the placement nearest the transcript's 3' end. VCF-style (leftmost placement, unchanged base first): chrX-38403727-CAGCTACTCCAA-C. GRCh37 (hg19) VCF-style: chrX-38262980-CAGCTACTCCAA-C.
Other names: short protein forms A218fs.
Identifiers: ClinVar variation 1456662 (VCV001456662.6), dbSNP rs2147342791, ClinGen allele CA2573158795.